The following is an entry in ClinVar:

NM_001254.4(CDC6):c.865C>G (p.Leu289Val)

Gene: CDC6 (cell division cycle 6; plus strand). Cytogenetic location: 17q21.2.
Variant type: single nucleotide variant.
Coding change: c.865C>G on transcript NM_001254.4 (MANE Select); coding-DNA position 865, C replaced by G.
Protein change: p.Leu289Val; replaces leucine 289 with valine.
Molecular consequence: missense variant.
Genome position (GRCh38, 1-based): chr17:40,293,978, C>G. VCF-style: chr17-40293978-C-G. GRCh37 (hg19) VCF-style: chr17-38450230-C-G.
Other names: c.865C>G (NM_001254.3); short protein forms L289V.
Identifiers: ClinVar variation 2181177 (VCV002181177.5), dbSNP rs770610889, ClinGen allele CA8541993.

ClinVar aggregate classification (germline): Uncertain significance. Review status: criteria provided, multiple submitters, no conflicts (2 of 4 stars). 2 submissions from 2 submitters: Uncertain significance (2). Last evaluated 2025-03-14.

Allele frequency attached by ClinVar (database versions not stated): gnomAD exomes below 0.00001; TOPMed 0.00001; ExAC 0.00003.

Submissions (2):

Ambry Genetics
Classification: Uncertain significance. Last evaluated: 2025-03-14. Review status: criteria provided, single submitter. Criteria: Ambry Variant Classification Scheme 2023. Collection method: clinical testing. Allele origin: germline.

Labcorp Genetics (formerly Invitae), Labcorp
Classification: Uncertain significance. Last evaluated: 2022-04-07. Review status: criteria provided, single submitter. Criteria: Invitae Variant Classification Sherloc (09022015). Collection method: clinical testing. Allele origin: germline.
Comment: In summary, the available evidence is currently insufficient to determine the role of this variant in disease. Therefore, it has been classified as a Variant of Uncertain Significance. Algorithms developed to predict the effect of missense changes on protein structure and function (SIFT, PolyPhen-2, Align-GVGD) all suggest that this variant is likely to be disruptive. This variant has not been reported in the literature in individuals affected with CDC6-related conditions. This variant is present in population databases (rs770610889, gnomAD 0.03%). This sequence change replaces leucine, which is neutral and non-polar, with valine, which is neutral and non-polar, at codon 289 of the CDC6 protein (p.Leu289Val).